The following is an entry in ClinVar:

ClinVar aggregate classification (germline): Pathogenic (1 of 4 stars; one submission).

Conditions:
Giant axonal neuropathy 1 (GAN1). Also called: GIANT AXONAL NEUROPATHY 1, AUTOSOMAL RECESSIVE; GAN-Related Neurodegeneration. Identifiers: Orphanet 643, MedGen C1850386, MONDO:0009749, OMIM 256850.

Submission:

Labcorp Genetics (formerly Invitae), Labcorp
Classification: Pathogenic for Giant axonal neuropathy 1. Last evaluated: 2021-07-08. Review status: criteria provided, single submitter. Criteria: Invitae Variant Classification Sherloc (09022015). Collection method: clinical testing. Allele origin: germline.
Comment: This sequence change creates a premature translational stop signal (p.Phe331Leufs*30) in the GAN gene. It is expected to result in an absent or disrupted protein product. This variant is not present in population databases (ExAC no frequency). This variant has not been reported in the literature in individuals with GAN-related conditions. Loss-of-function variants in GAN are known to be pathogenic (PMID: 12655563, 14718689, 23890932). For these reasons, this variant has been classified as Pathogenic.

Literature cited by the submitters: PubMed 12655563; PubMed 14718689; PubMed 23890932.

NM_022041.4(GAN):c.993del (p.Phe331fs)

Gene: GAN (gigaxonin; plus strand). Cytogenetic location: 16q23.2.
Variant type: Deletion.
Coding change: c.993del on transcript NM_022041.4 (MANE Select); coding-DNA position 993, one base deleted (C; older notation c.993delC).
Protein change: p.Phe331fs; shifts the reading frame from phenylalanine 331.
Molecular consequence: frameshift variant.
Genome position (GRCh38, 1-based): chr16:81,362,518, C deleted. VCF-style (leftmost placement, unchanged base first): chr16-81362517-TC-T. GRCh37 (hg19) VCF-style: chr16-81396122-TC-T.
Other names: c.354del, p.Phe118fs (NM_001377486.1); short protein forms F118fs, F331fs.
Identifiers: ClinVar variation 1076942 (VCV001076942.7), dbSNP rs2150690197, ClinGen allele CA2499223706.